The following is an entry in ClinVar:

NM_001009944.3(PKD1):c.11688C>T (p.Gly3896=)

Genes: PKD1 (polycystin 1, transient receptor potential channel interacting; minus strand), PKD1-AS1 (PKD1 antisense RNA 1; plus strand). Cytogenetic location: 16p13.3.
Variant type: single nucleotide variant.
Coding change: c.11688C>T on transcript NM_001009944.3 (MANE Select); coding-DNA position 11688, C replaced by T.
Protein change: p.Gly3896=; no amino-acid change (glycine 3896 retained).
Molecular consequence: synonymous variant. On other transcripts: non-coding transcript variant (1).
Genome position (GRCh38, 1-based): chr16:2,091,447, G>A on the plus strand (C>T on the coding strand, the complement: PKD1 is on the minus strand). VCF-style: chr16-2091447-G-A. GRCh37 (hg19) VCF-style: chr16-2141448-G-A.
Other names: c.11685C>T, p.Gly3895= (NM_000296.4); c.11688C>T (NM_001009944.2).
Identifiers: ClinVar variation 805143 (VCV000805143.28), dbSNP rs547262346, ClinGen allele CA7829014.
Genomic context (GRCh38, chr16:2,091,447, plus strand): 5'-GTGGGAGGCGCGGGGTCTGGCCGGGGACGGGCGTACCGAGGTGAGCAGAGGCAGCGAGAG[G>A]CCCGCGCTGAGGCGGCGCAGCGCAAAGGGGCGGACGCTGAGGGCGGCCAGGGCGCGGCCG-3'
Protein context (NP_001009944.3, residues 3886-3906): RPFALRRLSA[Gly3896=]LSLPLLTSVC

ClinVar aggregate classification (germline): Likely benign. Review status: criteria provided, multiple submitters, no conflicts (2 of 4 stars). 5 submissions from 5 submitters: Likely benign (5). Last evaluated 2024-11-11.

Conditions:
Polycystic kidney disease, adult type (PKD1). Also called: Polycystic Kidney Disease 1, Autosomal Dominant; Polycystic kidney disease 1; Polycystic kidney disease 1, severe; POLYCYSTIC KIDNEY DISEASE, ADULT, TYPE I; POLYCYSTIC KIDNEY DISEASE 1 WITH OR WITHOUT POLYCYSTIC LIVER DISEASE; Polycystic Kidney, Autosomal Dominant. Identifiers: MedGen C3149841, MONDO:0008263, OMIM 173900.

Allele frequency attached by ClinVar (database versions not stated): gnomAD exomes 0.00012 and 0.00067; 1000 Genomes Project 0.00020; gnomAD 0.00051 and 0.00054; TOPMed 0.00089; 1000 Genomes Project 30x 0.00094; ExAC 0.00352.
gnomAD v4.1: 225 of 1,218,172 alleles (0.018%); highest among the groups gnomAD compares: Admixed American, 0.19%; 1 homozygote.

Submissions (5):

Blueprint Genetics
Classification: Likely benign. Last evaluated: 2024-11-11. Review status: criteria provided, single submitter. Criteria: ACMG Guidelines, 2015. Collection method: clinical testing. Allele origin: germline.

CeGaT Center for Human Genetics Tuebingen
Classification: Likely benign. Last evaluated: 2024-04-01. Review status: criteria provided, single submitter. Criteria: CeGaT Center For Human Genetics Tuebingen Variant Classification Criteria Version 2. Collection method: clinical testing. Allele origin: germline. Affected: yes. Observed: 4 variant alleles.
Comment: PKD1: BP4, BP7

Fulgent Genetics
Classification: Likely benign for Polycystic kidney disease, adult type. Last evaluated: 2021-09-21. Review status: criteria provided, single submitter. Criteria: ACMG Guidelines, 2015. Collection method: clinical testing. Allele origin: unknown.

Department of Pathology and Laboratory Medicine, Sinai Health System
Classification: Likely benign for Polycystic kidney disease, adult type. Last evaluated: 2019-12-18. Review status: criteria provided, single submitter. Criteria: ACMG Guidelines, 2015. Collection method: clinical testing. Allele origin: germline. Affected: yes.

Athena Diagnostics
Classification: Likely benign. Last evaluated: 2019-01-28. Review status: criteria provided, single submitter. Criteria: Athena Diagnostics Criteria. Collection method: clinical testing. Allele origin: germline.